The following is an entry in ClinVar:

ClinVar aggregate classification (germline): Uncertain significance. Review status: criteria provided, multiple submitters, no conflicts (2 of 4 stars). 4 submissions from 4 submitters: Uncertain significance (4). Last evaluated 2025-07-29.

Conditions:
Neuroblastoma, susceptibility to, 3. Also called: ALK-Related Neuroblastic Tumor Susceptibility. Identifiers: Orphanet 635, MedGen C2751681, MONDO:0013083, OMIM 613014.
Hereditary cancer-predisposing syndrome. Also called: Hereditary neoplastic syndrome; Neoplastic Syndromes, Hereditary; Tumor predisposition; Hereditary Cancer Syndrome. Identifiers: Orphanet 140162, MedGen C0027672, MeSH D009386, MONDO:0015356.

Allele frequency attached by ClinVar (database versions not stated): gnomAD exomes below 0.00001 and 0.00004; gnomAD 0.00002; TOPMed 0.00002; ESP Exome Variant Server 0.00008.
gnomAD v4.1: 54 of 1,614,056 alleles (0.0033%); highest among the groups gnomAD compares: Non-Finnish European, 0.0045%; no homozygotes.

Submissions (4):

Labcorp Genetics (formerly Invitae), Labcorp
Classification: Uncertain significance for Neuroblastoma, susceptibility to, 3. Last evaluated: 2025-07-29. Review status: criteria provided, single submitter. Criteria: Invitae Variant Classification Sherloc (09022015). Collection method: clinical testing. Allele origin: germline.
Comment: This sequence change replaces glutamic acid, which is acidic and polar, with aspartic acid, which is acidic and polar, at codon 1110 of the ALK protein (p.Glu1110Asp). This variant is present in population databases (rs140606509, gnomAD 0.003%). This variant has not been reported in the literature in individuals affected with ALK-related conditions. ClinVar contains an entry for this variant (Variation ID: 470825). An algorithm developed to predict the effect of missense changes on protein structure and function (PolyPhen-2) suggests that this variant is likely to be tolerated. In summary, the available evidence is currently insufficient to determine the role of this variant in disease. Therefore, it has been classified as a Variant of Uncertain Significance.

GeneDx
Classification: Uncertain significance. Last evaluated: 2024-07-24. Review status: criteria provided, single submitter. Criteria: GeneDx Variant Classification Process June 2021. Collection method: clinical testing. Allele origin: germline. Affected: yes.
Comment: Not observed at significant frequency in large population cohorts (gnomAD); In silico analysis supports that this missense variant has a deleterious effect on protein structure/function; Has not been previously published as pathogenic or benign to our knowledge

Ambry Genetics
Classification: Uncertain significance for Hereditary cancer-predisposing syndrome. Last evaluated: 2024-06-08. Review status: criteria provided, single submitter. Criteria: Ambry Variant Classification Scheme 2023. Collection method: clinical testing. Allele origin: germline.
Comment: The p.E1110D variant (also known as c.3330G>C), located in coding exon 20 of the ALK gene, results from a G to C substitution at nucleotide position 3330. The glutamic acid at codon 1110 is replaced by aspartic acid, an amino acid with highly similar properties. This amino acid position is highly conserved in available vertebrate species. In addition, the in silico prediction for this alteration is inconclusive. Since supporting evidence is limited at this time, the clinical significance of this alteration remains unclear.

Baylor Genetics
Classification: Uncertain significance for Neuroblastoma, susceptibility to, 3. Last evaluated: 2023-10-01. Review status: criteria provided, single submitter. Criteria: ACMG Guidelines, 2015. Collection method: clinical testing. Allele origin: unknown.

NM_004304.5(ALK):c.3330G>C (p.Glu1110Asp)

Gene: ALK (ALK receptor tyrosine kinase; minus strand). Cytogenetic location: 2p23.2.
Variant type: single nucleotide variant.
Coding change: c.3330G>C on transcript NM_004304.5 (MANE Select); coding-DNA position 3330, G replaced by C.
Protein change: p.Glu1110Asp; replaces glutamic acid 1110 with aspartic acid.
Molecular consequence: missense variant.
Genome position (GRCh38, 1-based): chr2:29,223,371, C>G on the plus strand (G>C on the coding strand, the complement: ALK is on the minus strand). VCF-style: chr2-29223371-C-G. GRCh37 (hg19) VCF-style: chr2-29446237-C-G.
Other names: c.126G>C, p.Glu42Asp (NM_001353765.2); short protein forms E1110D, E42D.
Identifiers: ClinVar variation 470825 (VCV000470825.17), dbSNP rs140606509, ClinGen allele CA44631949.
Genomic context (GRCh38, chr2:29,223,371, plus strand): 5'-TCTCCTCCCAGGACGGCAGCAGGGCGCTCACCGAATGAGGGTGATGTTTTTCCGCGGCAC[C>G]TCCTTCAGGTCACTGATGGAGGAGGTCTTGCCAGCAAAGCAGTAGTTGGGGTTGTAGTCG-3'
Protein context (NP_004295.2, residues 1100-1120): GKTSSISDLK[Glu1110Asp]VPRKNITLIR